The following is an entry in ClinVar:

NM_012479.4(YWHAG):c.-144_72del (p.Met1_Ala24del)

Gene: YWHAG (tyrosine 3-monooxygenase/tryptophan 5-monooxygenase activation protein gamma; minus strand). Cytogenetic location: 7q11.23.
Variant type: Deletion.
Coding change: c.-144_72del on transcript NM_012479.4 (MANE Select); 144 bases upstream of the start codon through coding-DNA position 72, 216 bases deleted.
Protein change: p.Met1_Ala24del.
Molecular consequence: inframe deletion, initiator codon variant.
Genome position (GRCh38, 1-based): chr7:76,358,737-76,358,952, 216 bases deleted. GRCh37 (hg19): chr7:75,988,054-75,988,269.
Identifiers: ClinVar variation 2831365 (VCV002831365.3), dbSNP rs2536207106, ClinGen allele CA2739266494.

ClinVar aggregate classification (germline): Likely pathogenic (1 of 4 stars; one submission).

Submission:

Labcorp Genetics (formerly Invitae), Labcorp
Classification: Likely pathogenic. Last evaluated: 2024-02-23. Review status: criteria provided, single submitter. Criteria: Invitae Variant Classification Sherloc (09022015). Collection method: clinical testing. Allele origin: germline.
Comment: This sequence change affects the initiator methionine of the YWHAG mRNA. The next in-frame methionine is located at codon 23. This variant is not present in population databases (gnomAD no frequency). This variant has not been reported in the literature in individuals affected with YWHAG-related conditions. Algorithms developed to predict the effect of sequence changes on RNA splicing suggest that this variant may disrupt the consensus splice site. This variant disrupts a region of the YWHAG protein in which other variant(s) (p.Glu15Ala) have been observed in individuals with YWHAG-related conditions (PMID: 28777935). This suggests that this is a clinically significant region of the protein, and that variants that disrupt it are likely to be disease-causing. In summary, the currently available evidence indicates that the variant is pathogenic, but additional data are needed to prove that conclusively. Therefore, this variant has been classified as Likely Pathogenic.

Literature cited by the submitters: PubMed 28777935.